The following is an entry in ClinVar:

ClinVar aggregate classification (germline): Likely pathogenic (1 of 4 stars; one submission).

Conditions:
Dilated cardiomyopathy 1G (CMD1G). Identifiers: Orphanet 154, MedGen C1858763, MONDO:0011400, OMIM 604145.
Autosomal recessive limb-girdle muscular dystrophy type 2J (LGMDR10). Also called: Limb-girdle muscular dystrophy, type 2J; MUSCULAR DYSTROPHY, LIMB-GIRDLE, AUTOSOMAL RECESSIVE 10. Identifiers: Orphanet 140922, MedGen C1837342, MONDO:0012127, OMIM 608807.

Submission:

Labcorp Genetics (formerly Invitae), Labcorp
Classification: Likely pathogenic for Dilated cardiomyopathy 1G; Autosomal recessive limb-girdle muscular dystrophy type 2J. Last evaluated: 2024-05-06. Review status: criteria provided, single submitter. Criteria: Invitae Variant Classification Sherloc (09022015). Collection method: clinical testing. Allele origin: germline.
Comment: This sequence change creates a premature translational stop signal (p.Ile18577Tyrfs*73) in the TTN gene. While this is not anticipated to result in nonsense mediated decay, it is expected to create a truncated TTN protein. This variant is not present in population databases (gnomAD no frequency). This variant has not been reported in the literature in individuals affected with TTN-related conditions. ClinVar contains an entry for this variant (Variation ID: 2109838). This variant is located in the A band of TTN (PMID: 25589632). Truncating variants in this region are significantly overrepresented in patients affected with dilated cardiomyopathy (PMID: 25589632). Truncating variants in this region have also been reported in individuals affected with autosomal recessive centronuclear myopathy (PMID: 23975875). In summary, the currently available evidence indicates that the variant is pathogenic, but additional data are needed to prove that conclusively. Therefore, this variant has been classified as Likely Pathogenic.

Literature cited by the submitters: PubMed 25589632; PubMed 23975875.

NM_001267550.2(TTN):c.55728del (p.Ile18577fs)

Genes: TTN (titin; minus strand), TTN-AS1 (TTN antisense RNA 1; plus strand). Cytogenetic location: 2q31.2.
Variant type: Deletion.
Coding change: c.55728del on transcript NM_001267550.2 (MANE Select); coding-DNA position 55728, one base deleted (G; older notation c.55728delG).
Protein change: p.Ile18577fs; shifts the reading frame from isoleucine 18577.
Molecular consequence: frameshift variant.
Genome position (GRCh38, 1-based): chr2:178,601,269, C deleted on the plus strand (G on the coding strand, the reverse complement: TTN is on the minus strand). VCF-style (leftmost placement, unchanged base first): chr2-178601268-TC-T. GRCh37 (hg19) VCF-style: chr2-179465995-TC-T.
Other names: c.50805del, p.Ile16936fs (NM_001256850.1); c.28533del, p.Ile9512fs (NM_003319.4); c.48024del, p.Ile16009fs (NM_133378.4); c.28908del, p.Ile9637fs (NM_133432.3); c.29109del, p.Ile9704fs (NM_133437.4); short protein forms I16936fs, I16009fs, I18577fs, I9512fs, I9637fs, I9704fs.
Identifiers: ClinVar variation 2109838 (VCV002109838.4), dbSNP rs2469995456, ClinGen allele CA2580064665.